The following is an entry in ClinVar:

ClinVar aggregate classification (germline): Pathogenic (1 of 4 stars; one submission).

Conditions:
Neurodevelopmental abnormality. Identifiers: MedGen C4022737, HP:0012759.

Submission:

Clinical Genetics Laboratory, Skane University Hospital Lund
Classification: Pathogenic for Neurodevelopmental abnormality. Last evaluated: 2020-06-16. Review status: criteria provided, single submitter. Criteria: ACMG Guidelines, 2015. Collection method: clinical testing. Allele origin: germline. Inheritance: Autosomal dominant inheritance. Affected: yes.
Comment: ACMG criteria used: PVS1, PS2, PM2

NM_003482.4(KMT2D):c.7762del (p.His2588fs)

Gene: KMT2D (lysine methyltransferase 2D; minus strand). Cytogenetic location: 12q13.12.
Variant type: Deletion.
Coding change: c.7762del on transcript NM_003482.4 (MANE Select); coding-DNA position 7762, one base deleted (C; older notation c.7762delC).
Protein change: p.His2588fs; shifts the reading frame from histidine 2588.
Molecular consequence: frameshift variant.
Genome position (GRCh38, 1-based): chr12:49,040,008, G deleted on the plus strand (C on the coding strand, the reverse complement: KMT2D is on the minus strand); the first of 2 consecutive G bases (chr12:49,040,008-49,040,009); deleting either gives the same sequence. VCF-style (leftmost placement, unchanged base first): chr12-49040007-TG-T. GRCh37 (hg19) VCF-style: chr12-49433790-TG-T.
Other names: c.7761delC, p.His2588Thrfs (NM_003482.3); short protein forms H2588fs.
Identifiers: ClinVar variation 3337235 (VCV003337235.2).